The following is an entry in ClinVar:

ClinVar aggregate classification (germline): Uncertain significance (1 of 4 stars; one submission).

Conditions:
Early-infantile DEE. Also called: Ohtahara syndrome; Early infantile epileptic encephalopathy; Early infantile epileptic encephalopathy with suppression bursts. Identifiers: Orphanet 1934, MedGen C0393706, MONDO:0800491.

Submission:

Labcorp Genetics (formerly Invitae), Labcorp
Classification: Uncertain significance for Early-infantile DEE. Last evaluated: 2024-05-06. Review status: criteria provided, single submitter. Criteria: Invitae Variant Classification Sherloc (09022015). Collection method: clinical testing. Allele origin: germline.
Comment: This sequence change replaces serine, which is neutral and polar, with glycine, which is neutral and non-polar, at codon 29 of the GNAO1 protein (p.Ser29Gly). This variant is not present in population databases (gnomAD no frequency). This variant has not been reported in the literature in individuals affected with GNAO1-related conditions. Advanced modeling of protein sequence and biophysical properties (such as structural, functional, and spatial information, amino acid conservation, physicochemical variation, residue mobility, and thermodynamic stability) has been performed at Invitae for this missense variant, however the output from this modeling did not meet the statistical confidence thresholds required to predict the impact of this variant on GNAO1 protein function. In summary, the available evidence is currently insufficient to determine the role of this variant in disease. Therefore, it has been classified as a Variant of Uncertain Significance.

NM_020988.3(GNAO1):c.85A>G (p.Ser29Gly)

Gene: GNAO1 (G protein subunit alpha o1; plus strand). Cytogenetic location: 16q13.
Variant type: single nucleotide variant.
Coding change: c.85A>G on transcript NM_020988.3 (MANE Select); coding-DNA position 85, A replaced by G.
Protein change: p.Ser29Gly; replaces serine 29 with glycine.
Molecular consequence: missense variant.
Genome position (GRCh38, 1-based): chr16:56,192,320, A>G. VCF-style: chr16-56192320-A-G. GRCh37 (hg19) VCF-style: chr16-56226232-A-G.
Other names: c.85A>G, p.Ser29Gly (NM_138736.3); short protein forms S29G.
Identifiers: ClinVar variation 3652321 (VCV003652321.2).